The following is an entry in ClinVar:

ClinVar aggregate classification (germline): Uncertain significance (1 of 4 stars; one submission).

Conditions:
Dyskeratosis congenita. Identifiers: Orphanet 1775, MedGen C0265965, MONDO:0015780.

Submission:

Labcorp Genetics (formerly Invitae), Labcorp
Classification: Uncertain significance for Dyskeratosis congenita. Last evaluated: 2022-10-18. Review status: criteria provided, single submitter. Criteria: Invitae Variant Classification Sherloc (09022015). Collection method: clinical testing. Allele origin: germline.
Comment: This sequence change replaces leucine, which is neutral and non-polar, with valine, which is neutral and non-polar, at codon 961 of the CTC1 protein (p.Leu961Val). In summary, the available evidence is currently insufficient to determine the role of this variant in disease. Therefore, it has been classified as a Variant of Uncertain Significance. Advanced modeling of protein sequence and biophysical properties (such as structural, functional, and spatial information, amino acid conservation, physicochemical variation, residue mobility, and thermodynamic stability) performed at Invitae indicates that this missense variant is not expected to disrupt CTC1 protein function. ClinVar contains an entry for this variant (Variation ID: 576726). This variant has not been reported in the literature in individuals affected with CTC1-related conditions. This variant is not present in population databases (gnomAD no frequency).

NM_025099.6(CTC1):c.2881C>G (p.Leu961Val)

Gene: CTC1 (CST telomere replication complex component 1; minus strand). Cytogenetic location: 17p13.1.
Variant type: single nucleotide variant.
Coding change: c.2881C>G on transcript NM_025099.6 (MANE Select); coding-DNA position 2881, C replaced by G.
Protein change: p.Leu961Val; replaces leucine 961 with valine.
Molecular consequence: missense variant. On other transcripts: non-coding transcript variant (1).
Genome position (GRCh38, 1-based): chr17:8,230,346, G>C on the plus strand (C>G on the coding strand, the complement: CTC1 is on the minus strand). VCF-style: chr17-8230346-G-C. GRCh37 (hg19) VCF-style: chr17-8133664-G-C.
Other names: short protein forms L961V.
Identifiers: ClinVar variation 576726 (VCV000576726.10), dbSNP rs1567600596, ClinGen allele CA397973964.